The following is an entry in ClinVar:

ClinVar aggregate classification (germline): Likely benign. Review status: criteria provided, multiple submitters, no conflicts (2 of 4 stars). 2 submissions from 2 submitters: Likely benign (2). Last evaluated 2026-09-16.

Conditions:
Spermatogenic failure 18. Identifiers: MedGen C4539783, MONDO:0054615, OMIM 617576.
Ciliary dyskinesia, primary, 37 (CILD37). Also called: CILIARY DYSKINESIA, PRIMARY, 37, WITH OR WITHOUT SITUS INVERSUS. Identifiers: MedGen C4539798, MONDO:0033204, OMIM 617577.
DNAH1-related disorder. Also called: DNAH1-related condition.

Allele frequency attached by ClinVar (database versions not stated): gnomAD exomes 0.00003 and 0.00011; ExAC 0.00017; gnomAD 0.00033 and 0.00034; TOPMed 0.00046; 1000 Genomes Project 0.00060; 1000 Genomes Project 30x 0.00062; ESP Exome Variant Server 0.00078.
gnomAD v4.1: 102 of 1,614,012 alleles (0.0063%); highest among the groups gnomAD compares: African/African-American, 0.12%; no homozygotes.

Submissions (2):

PreventionGenetics, part of Exact Sciences
Classification: Likely benign for DNAH1-related condition. Last evaluated: 2026-09-16. Review status: criteria provided, single submitter. Criteria: ACMG Guidelines, 2015. Collection method: clinical testing. Allele origin: germline.
Comment: This variant is classified as likely benign based on ACMG/AMP sequence variant interpretation guidelines (Richards et al. 2015 PMID: 25741868, with internal and published modifications).

Labcorp Genetics (formerly Invitae), Labcorp
Classification: Likely benign for Ciliary dyskinesia, primary, 37; Spermatogenic failure 18. Last evaluated: 2025-07-23. Review status: criteria provided, single submitter. Criteria: Invitae Variant Classification Sherloc (09022015). Collection method: clinical testing. Allele origin: germline.

NM_015512.5(DNAH1):c.5406T>C (p.Ser1802=)

Gene: DNAH1 (dynein axonemal heavy chain 1; plus strand). Cytogenetic location: 3p21.1.
Variant type: single nucleotide variant.
Coding change: c.5406T>C on transcript NM_015512.5 (MANE Select); coding-DNA position 5406, T replaced by C.
Protein change: p.Ser1802=; no amino-acid change (serine 1802 retained).
Molecular consequence: synonymous variant.
Genome position (GRCh38, 1-based): chr3:52,364,907, T>C. VCF-style: chr3-52364907-T-C. GRCh37 (hg19) VCF-style: chr3-52398923-T-C.
Identifiers: ClinVar variation 772055 (VCV000772055.8), dbSNP rs200456498, ClinGen allele CA2434200.